The following is an entry in ClinVar:

ClinVar aggregate classification (germline): Uncertain significance (1 of 4 stars; one submission).

Submission:

Mayo Clinic Laboratories, Mayo Clinic
Classification: Uncertain significance. Last evaluated: 2023-06-22. Review status: criteria provided, single submitter. Criteria: ACMG Guidelines, 2015. Collection method: clinical testing. Allele origin: germline. Observed: 1 variant allele.
Comment: PM2_moderate

NM_001953.5(TYMP):c.1063G>A (p.Gly355Ser)

Genes: SCO2 (synthesis of cytochrome C oxidase 2; minus strand), TYMP (thymidine phosphorylase; minus strand), LOC130067862 (ATAC-STARR-seq lymphoblastoid silent region 13986; plus strand). Cytogenetic location: 22q13.33.
Variant type: single nucleotide variant.
Coding change: c.1063G>A on transcript NM_001953.5 (MANE Select); coding-DNA position 1063, G replaced by A.
Protein change: p.Gly355Ser; replaces glycine 355 with serine.
Molecular consequence: missense variant. On other transcripts: 5 prime UTR variant (1).
Genome position (GRCh38, 1-based): chr22:50,526,342, C>T on the plus strand (G>A on the coding strand, the complement: TYMP is on the minus strand). VCF-style: chr22-50526342-C-T. GRCh37 (hg19) VCF-style: chr22-50964771-C-T.
Other names: p.Gly355Ser; c.1063G>A, p.Gly355Ser (NM_001113755.3, NM_001113756.3, NM_001257988.1 and 1 more transcripts); c.-110G>A (NM_001169109.2); short protein forms G355S.
Identifiers: ClinVar variation 3380733 (VCV003380733.1).